The following is an entry in ClinVar:

ClinVar aggregate classification (germline): Uncertain significance. Review status: criteria provided, multiple submitters, no conflicts (2 of 4 stars). 2 submissions from 2 submitters: Uncertain significance (2). Last evaluated 2025-12-11.

Conditions:
Inborn genetic diseases. Identifiers: MedGen C0950123, MeSH D030342.

Submissions (2):

Ambry Genetics
Classification: Uncertain significance for Inborn genetic diseases. Last evaluated: 2025-12-11. Review status: criteria provided, single submitter. Criteria: Ambry Variant Classification Scheme 2023. Collection method: clinical testing. Allele origin: germline.

Labcorp Genetics (formerly Invitae), Labcorp
Classification: Uncertain significance. Last evaluated: 2025-02-27. Review status: criteria provided, single submitter. Criteria: Invitae Variant Classification Sherloc (09022015). Collection method: clinical testing. Allele origin: germline.
Comment: This sequence change replaces arginine, which is basic and polar, with serine, which is neutral and polar, at codon 110 of the FRMD7 protein (p.Arg110Ser). This variant is not present in population databases (gnomAD no frequency). This variant has not been reported in the literature in individuals affected with FRMD7-related conditions. An algorithm developed to predict the effect of missense changes on protein structure and function (PolyPhen-2) suggests that this variant is likely to be tolerated. In summary, the available evidence is currently insufficient to determine the role of this variant in disease. Therefore, it has been classified as a Variant of Uncertain Significance.

NM_194277.3(FRMD7):c.330G>C (p.Arg110Ser)

Gene: FRMD7 (FERM domain containing 7; minus strand). Cytogenetic location: Xq26.2.
Variant type: single nucleotide variant.
Coding change: c.330G>C on transcript NM_194277.3 (MANE Select); coding-DNA position 330, G replaced by C.
Protein change: p.Arg110Ser; replaces arginine 110 with serine.
Molecular consequence: missense variant.
Genome position (GRCh38, 1-based): chrX:132,094,094, C>G on the plus strand (G>C on the coding strand, the complement: FRMD7 is on the minus strand). VCF-style: chrX-132094094-C-G. GRCh37 (hg19) VCF-style: chrX-131228122-C-G.
Other names: c.285G>C, p.Arg95Ser (NM_001306193.2); short protein forms R110S, R95S.
Identifiers: ClinVar variation 4620383 (VCV004620383.2).